The following is an entry in ClinVar:

ClinVar aggregate classification (germline): Uncertain significance (1 of 4 stars; one submission).

Conditions:
Hereditary cancer-predisposing syndrome. Also called: Hereditary neoplastic syndrome; Neoplastic Syndromes, Hereditary; Tumor predisposition; Hereditary Cancer Syndrome. Identifiers: Orphanet 140162, MedGen C0027672, MeSH D009386, MONDO:0015356.

Submission:

Ambry Genetics
Classification: Uncertain significance for Hereditary cancer-predisposing syndrome. Last evaluated: 2025-08-27. Review status: criteria provided, single submitter. Criteria: Ambry Variant Classification Scheme 2023. Collection method: clinical testing. Allele origin: germline.
Comment: The p.G325V variant (also known as c.974G>T), located in coding exon 11 of the MUTYH gene, results from a G to T substitution at nucleotide position 974. The glycine at codon 325 is replaced by valine, an amino acid with dissimilar properties. This amino acid position is conserved. In addition, this alteration is predicted to be tolerated by in silico analysis. Based on the available evidence, the clinical significance of this variant remains unclear.

NM_001048174.2(MUTYH):c.890G>T (p.Gly297Val)

Gene: MUTYH (mutY DNA glycosylase; minus strand). Cytogenetic location: 1p34.1.
Variant type: single nucleotide variant.
Coding change: c.890G>T on transcript NM_001048174.2 (MANE Select); coding-DNA position 890, G replaced by T.
Protein change: p.Gly297Val; replaces glycine 297 with valine.
Molecular consequence: missense variant. On other transcripts: non-coding transcript variant (7).
Genome position (GRCh38, 1-based): chr1:45,332,046, C>A on the plus strand (G>T on the coding strand, the complement: MUTYH is on the minus strand). VCF-style: chr1-45332046-C-A. GRCh37 (hg19) VCF-style: chr1-45797718-C-A.
Other names: c.851G>T, p.Gly284Val (NM_001407079.1); c.848G>T, p.Gly283Val (NM_001407080.1); c.890G>T, p.Gly297Val (NM_001407081.1, NM_001407088.1, NM_001407089.1 and 6 more transcripts); c.545G>T, p.Gly182Val (NM_001407082.1, NM_001350651.2, NM_001350650.2); c.932G>T, p.Gly311Val (NM_001407083.1, NM_001407085.1); c.893G>T, p.Gly298Val (NM_001407086.1, NM_001048172.2, NM_001407071.1 and 1 more transcripts); c.911G>T, p.Gly304Val (NM_001407087.1); c.923G>T, p.Gly308Val (NM_001407069.1, NM_001407077.1, NM_001293191.2); and 5 more; short protein forms G205V, G283V, G311V, G325V, G284V, G182V, G269V, G297V.
Identifiers: ClinVar variation 4113975 (VCV004113975.1).